The following is an entry in ClinVar:

ClinVar aggregate classification (germline): Uncertain significance (1 of 4 stars; one submission).

Submission:

GeneDx
Classification: Uncertain significance. Last evaluated: 2023-01-13. Review status: criteria provided, single submitter. Criteria: GeneDx Variant Classification Process June 2021. Collection method: clinical testing. Allele origin: germline. Affected: yes.
Comment: Not observed at significant frequency in large population cohorts (gnomAD); In-frame deletion of 6 amino acids in a non-repeat region; In silico analysis supports a deleterious effect on protein structure/function; Has not been previously published as pathogenic or benign to our knowledge

NM_001393769.1(MED12L):c.5058_5075del (p.Ala1687_Ile1692del)

Gene: MED12L (mediator complex subunit 12L; plus strand). Cytogenetic location: 3q25.1.
Variant type: Deletion.
Coding change: c.5058_5075del on transcript NM_001393769.1 (MANE Select); coding-DNA positions 5058 to 5075, 18 bases deleted (TGCTGGATTTGACTCTAT).
Protein change: p.Ala1687_Ile1692del.
Molecular consequence: inframe deletion.
Genome position (GRCh38, 1-based): chr3:151,385,161-151,385,178, TGCTGGATTTGACTCTAT deleted; deleting any 18 consecutive bases within chr3:151,385,159-151,385,178 gives the same sequence; the c. name uses the placement nearest the transcript's 3' end. VCF-style (leftmost placement, unchanged base first): chr3-151385158-AATTGCTGGATTTGACTCT-A. GRCh37 (hg19) VCF-style: chr3-151102946-AATTGCTGGATTTGACTCT-A.
Other names: c.4953_4970del, p.Ala1652_Ile1657del (NM_053002.6).
Identifiers: ClinVar variation 2572867 (VCV002572867.1), dbSNP rs2473972848, ClinGen allele CA2580615999.
Genomic context (GRCh38, chr3:151,385,158, plus strand): 5'-GACATGTGATGTCATCACTTGTGAACCTATGGGTTCCTTGATTGACACAAAAGGAAACAA[AATTGCTGGATTTGACTCT>A]ATAGATAAAAAACAGGCAAGAGTGAATGTTTTTTCTTATATATAAATTTATTTACAAAAG-3'